The following is an entry in ClinVar:

ClinVar aggregate classification (germline): Uncertain significance (1 of 4 stars; one submission).

Allele frequency attached by ClinVar (database versions not stated): gnomAD exomes below 0.00001; TOPMed 0.00001; ExAC 0.00002.
gnomAD v4.1: 3 of 1,608,406 alleles (0.00019%); highest among the groups gnomAD compares: East Asian, 0.0067%; no homozygotes.

Submission:

Ambry Genetics
Classification: Uncertain significance. Last evaluated: 2023-02-17. Review status: criteria provided, single submitter. Criteria: Ambry Variant Classification Scheme 2023. Collection method: clinical testing. Allele origin: germline.
Comment: The p.A1174P variant (also known as c.3520G>C), located in coding exon 30 of the PRKDC gene, results from a G to C substitution at nucleotide position 3520. The alanine at codon 1174 is replaced by proline, an amino acid with highly similar properties. This amino acid position is conserved. In addition, this alteration is predicted to be tolerated by in silico analysis. Since supporting evidence is limited at this time, the clinical significance of this alteration remains unclear.

NM_006904.7(PRKDC):c.3520G>C (p.Ala1174Pro)

Gene: PRKDC (protein kinase, DNA-activated, catalytic subunit; minus strand). Cytogenetic location: 8q11.21.
Variant type: single nucleotide variant.
Coding change: c.3520G>C on transcript NM_006904.7 (MANE Select); coding-DNA position 3520, G replaced by C.
Protein change: p.Ala1174Pro; replaces alanine 1174 with proline.
Molecular consequence: missense variant.
Genome position (GRCh38, 1-based): chr8:47,897,239, C>G on the plus strand (G>C on the coding strand, the complement: PRKDC is on the minus strand). VCF-style: chr8-47897239-C-G. GRCh37 (hg19) VCF-style: chr8-48809799-C-G.
Other names: c.3520G>C, p.Ala1174Pro (NM_001081640.2); short protein forms A1174P.
Identifiers: ClinVar variation 2453227 (VCV002453227.2), dbSNP rs769168104, ClinGen allele CA4741151.
Genomic context (GRCh38, chr8:47,897,239, plus strand): 5'-ATTTATAAAAGAGTTCAATGGATTTGTGTCGACATTCTGTCTGGGGCCTCCCACAATGAG[C>G]TAAAAGCCACTTGACCAGATCCAATAAACACAATGATGCGGAAGGTGGAAATCCTCTGCA-3'
Protein context (NP_008835.5, residues 1164-1184): CLLDLVKWLL[Ala1174Pro]HCGRPQTECR